The following is an entry in ClinVar:

ClinVar aggregate classification (germline): Pathogenic (1 of 4 stars; one submission).

Conditions:
Duchenne muscular dystrophy (DMD). Also called: Duchenne Muscular Dystrophy (DMD); MUSCULAR DYSTROPHY, PSEUDOHYPERTROPHIC PROGRESSIVE, DUCHENNE TYPE. Identifiers: Orphanet 98896, MedGen C0013264, MONDO:0010679, OMIM 310200.

Submission:

Labcorp Genetics (formerly Invitae), Labcorp
Classification: Pathogenic for Duchenne muscular dystrophy. Last evaluated: 2019-10-03. Review status: criteria provided, single submitter. Criteria: Invitae Variant Classification Sherloc (09022015). Collection method: clinical testing. Allele origin: germline.
Comment: This variant is an in-frame deletion of the genomic region encompassing exons 5-31 of the DMD gene. It preserves the integrity of the reading frame. This variant has not been reported in the literature in individuals with DMD-related conditions. Sub-genic deletions of exon 5 and exons 5-9 have been determined to be pathogenic (PMID: 26745801, 12920092, 20031633, 21520333, 24292997, 25482253, 16030524). Therefore, deletions that fully encompass that region are also expected to be pathogenic. For these reasons, this variant has been classified as Pathogenic.

Literature cited by the submitters: PubMed 26745801; PubMed 12920092; PubMed 20031633; PubMed 21520333; PubMed 24292997; PubMed 25482253; PubMed 16030524.

NC_000023.11:g.(?_32390061)_(32823850_?)del

Gene: DMD (dystrophin; minus strand). Cytogenetic location: Xp21.1.
Variant type: Deletion.
Identifiers: ClinVar variation 832148 (VCV000832148.6).